The following is an entry in ClinVar:

ClinVar aggregate classification (germline): Uncertain significance (1 of 4 stars; one submission).

Conditions:
Maple syrup urine disease (MSUD). Identifiers: Orphanet 511, MedGen C0024776, MeSH D008375, MONDO:0009563. Disease mechanism: loss of function.

Submission:

Labcorp Genetics (formerly Invitae), Labcorp
Classification: Uncertain significance for Maple syrup urine disease. Last evaluated: 2022-03-27. Review status: criteria provided, single submitter. Criteria: Invitae Variant Classification Sherloc (09022015). Collection method: clinical testing. Allele origin: germline.
Comment: In summary, the available evidence is currently insufficient to determine the role of this variant in disease. Therefore, it has been classified as a Variant of Uncertain Significance. Advanced modeling of protein sequence and biophysical properties (such as structural, functional, and spatial information, amino acid conservation, physicochemical variation, residue mobility, and thermodynamic stability) performed at Invitae indicates that this missense variant is not expected to disrupt DBT protein function. This variant has not been reported in the literature in individuals affected with DBT-related conditions. This variant is not present in population databases (gnomAD no frequency). This sequence change replaces asparagine, which is neutral and polar, with serine, which is neutral and polar, at codon 332 of the DBT protein (p.Asn332Ser).

NM_001918.5(DBT):c.995A>G (p.Asn332Ser)

Gene: DBT (dihydrolipoamide branched chain transacylase E2; minus strand). Cytogenetic location: 1p21.2.
Variant type: single nucleotide variant.
Coding change: c.995A>G on transcript NM_001918.5 (MANE Select); coding-DNA position 995, A replaced by G.
Protein change: p.Asn332Ser; replaces asparagine 332 with serine.
Molecular consequence: missense variant. On other transcripts: non-coding transcript variant (4).
Genome position (GRCh38, 1-based): chr1:100,210,716, T>C on the plus strand (A>G on the coding strand, the complement: DBT is on the minus strand). VCF-style: chr1-100210716-T-C. GRCh37 (hg19) VCF-style: chr1-100676272-T-C.
Other names: c.452A>G, p.Asn151Ser (NM_001399969.1, NM_001399972.1); short protein forms N151S, N332S.
Identifiers: ClinVar variation 2115556 (VCV002115556.4), dbSNP rs2524126857, ClinGen allele CA341334670.